The following is an entry in ClinVar:

NM_014727.3(KMT2B):c.2119T>G (p.Phe707Val)

Gene: KMT2B (lysine methyltransferase 2B; plus strand). Cytogenetic location: 19q13.12.
Variant type: single nucleotide variant.
Coding change: c.2119T>G on transcript NM_014727.3 (MANE Select); coding-DNA position 2119, T replaced by G.
Protein change: p.Phe707Val; replaces phenylalanine 707 with valine.
Molecular consequence: missense variant.
Genome position (GRCh38, 1-based): chr19:35,721,466, T>G. VCF-style: chr19-35721466-T-G. GRCh37 (hg19) VCF-style: chr19-36212368-T-G.
Other names: short protein forms F707V.
Identifiers: ClinVar variation 1964817 (VCV001964817.5), dbSNP rs1337845319, ClinGen allele CA405396309.

ClinVar aggregate classification (germline): Uncertain significance (1 of 4 stars; one submission).

Submission:

Labcorp Genetics (formerly Invitae), Labcorp
Classification: Uncertain significance. Last evaluated: 2021-12-02. Review status: criteria provided, single submitter. Criteria: Invitae Variant Classification Sherloc (09022015). Collection method: clinical testing. Allele origin: germline.
Comment: In summary, the available evidence is currently insufficient to determine the role of this variant in disease. Therefore, it has been classified as a Variant of Uncertain Significance. Algorithms developed to predict the effect of missense changes on protein structure and function are either unavailable or do not agree on the potential impact of this missense change (SIFT: "Tolerated"; PolyPhen-2: "Not Available"; Align-GVGD: "Class C0"). This variant has not been reported in the literature in individuals affected with KMT2B-related conditions. This variant is not present in population databases (gnomAD no frequency). This sequence change replaces phenylalanine, which is neutral and non-polar, with valine, which is neutral and non-polar, at codon 707 of the KMT2B protein (p.Phe707Val).